The following is an entry in ClinVar:

NM_152866.3(MS4A1):c.672_673del (p.Lys224fs)

Gene: MS4A1 (membrane spanning 4-domains A1; plus strand). Cytogenetic location: 11q12.2.
Variant type: Deletion.
Coding change: c.672_673del on transcript NM_152866.3 (MANE Select); coding-DNA positions 672 to 673, 2 bases deleted (AT; older notation c.672_673delAT).
Protein change: p.Lys224fs; shifts the reading frame from lysine 224.
Molecular consequence: frameshift variant.
Genome position (GRCh38, 1-based): chr11:60,467,057-60,467,058, AT deleted. VCF-style (leftmost placement, unchanged base first): chr11-60467056-AAT-A. GRCh37 (hg19) VCF-style: chr11-60234529-AAT-A.
Other names: c.672_673del, p.Lys224fs (NM_021950.4, NM_152867.2); short protein forms K224fs.
Identifiers: ClinVar variation 3728164 (VCV003728164.2).

ClinVar aggregate classification (germline): Uncertain significance (1 of 4 stars; one submission).

Submission:

Labcorp Genetics (formerly Invitae), Labcorp
Classification: Uncertain significance. Last evaluated: 2024-12-27. Review status: criteria provided, single submitter. Criteria: Invitae Variant Classification Sherloc (09022015). Collection method: clinical testing. Allele origin: germline.
Comment: This sequence change creates a premature translational stop signal (p.Lys224Asnfs*2) in the MS4A1 gene. While this is not anticipated to result in nonsense mediated decay, it is expected to disrupt the last 74 amino acid(s) of the MS4A1 protein. This variant is not present in population databases (gnomAD no frequency). This variant has not been reported in the literature in individuals affected with MS4A1-related conditions. In summary, the available evidence is currently insufficient to determine the role of this variant in disease. Therefore, it has been classified as a Variant of Uncertain Significance.